The following is an entry in ClinVar:

NM_000751.3(CHRND):c.463G>A (p.Val155Ile)

Gene: CHRND (cholinergic receptor nicotinic delta subunit; plus strand). Cytogenetic location: 2q37.1.
Variant type: single nucleotide variant.
Coding change: c.463G>A on transcript NM_000751.3 (MANE Select); coding-DNA position 463, G replaced by A.
Protein change: p.Val155Ile; replaces valine 155 with isoleucine.
Molecular consequence: missense variant. On other transcripts: synonymous variant (1).
Genome position (GRCh38, 1-based): chr2:232,528,610, G>A. VCF-style: chr2-232528610-G-A. GRCh37 (hg19) VCF-style: chr2-233393320-G-A.
Other names: c.418G>A, p.Val140Ile (NM_001256657.2); c.192G>A, p.Leu64= (NM_001311195.2); c.160G>A, p.Val54Ile (NM_001311196.2); short protein forms V54I, V140I, V155I.
Identifiers: ClinVar variation 1043671 (VCV001043671.8), dbSNP rs767201456, ClinGen allele CA2168034.

ClinVar aggregate classification (germline): Uncertain significance (1 of 4 stars; one submission).

Conditions:
Lethal multiple pterygium syndrome (LMPS). Identifiers: Orphanet 33108, MedGen C1854678, MONDO:0009668, OMIM 253290.

Allele frequency attached by ClinVar (database versions not stated): TOPMed below 0.00001; gnomAD exomes 0.00001 and 0.00002; ExAC 0.00003.
gnomAD v4.1: 6 of 1,614,094 alleles (0.00037%); highest among the groups gnomAD compares: Admixed American, 0.005%; no homozygotes.

Submission:

Labcorp Genetics (formerly Invitae), Labcorp
Classification: Uncertain significance for Lethal multiple pterygium syndrome. Last evaluated: 2020-01-23. Review status: criteria provided, single submitter. Criteria: Invitae Variant Classification Sherloc (09022015). Collection method: clinical testing. Allele origin: germline.
Comment: In summary, the available evidence is currently insufficient to determine the role of this variant in disease. Therefore, it has been classified as a Variant of Uncertain Significance. Algorithms developed to predict the effect of missense changes on protein structure and function are either unavailable or do not agree on the potential impact of this missense change (SIFT: "Deleterious"; PolyPhen-2: "Possibly Damaging"; Align-GVGD: "Class C0"). This variant has not been reported in the literature in individuals with CHRND-related conditions. This variant is present in population databases (rs767201456, ExAC 0.02%). This sequence change replaces valine with isoleucine at codon 155 of the CHRND protein (p.Val155Ile). The valine residue is highly conserved and there is a small physicochemical difference between valine and isoleucine.